The following is an entry in ClinVar:

NM_018713.3(SLC30A10):c.1326T>C (p.Ser442=)

Gene: SLC30A10 (solute carrier family 30 member 10; minus strand). Cytogenetic location: 1q41.
Variant type: single nucleotide variant.
Coding change: c.1326T>C on transcript NM_018713.3 (MANE Select); coding-DNA position 1326, T replaced by C.
Protein change: p.Ser442=; no amino-acid change (serine 442 retained).
Molecular consequence: synonymous variant. On other transcripts: non-coding transcript variant (2).
Genome position (GRCh38, 1-based): chr1:219,915,581, A>G on the plus strand (T>C on the coding strand, the complement: SLC30A10 is on the minus strand). VCF-style: chr1-219915581-A-G. GRCh37 (hg19) VCF-style: chr1-220088923-A-G.
Other names: c.1137T>C, p.Ser379= (NM_001376929.1).
Identifiers: ClinVar variation 1664487 (VCV001664487.32), dbSNP rs1571788975, ClinGen allele CA423418048.
Genomic context (GRCh38, chr1:219,915,581, plus strand): 5'-ACAGCTATCCAAAGACACTTCAATAGCCACTTCTCTTGCGTCTCTTCTACTGAGGCCATC[A>G]CTTCCGTATGTGTCTAGAGAGGGCCCACCATTGTGCTCAGCACAGCCATTGACGTGAGCC-3'
Protein context (NP_061183.2, residues 432-452): NGGPSLDTYG[Ser442=]DGLSRRDARE

ClinVar aggregate classification (germline): Likely benign. Review status: criteria provided, multiple submitters, no conflicts (2 of 4 stars). 2 submissions from 2 submitters: Likely benign (2). Last evaluated 2024-10-14.

Allele frequency attached by ClinVar (database versions not stated): gnomAD exomes below 0.00001; gnomAD 0.00001; TOPMed 0.00001.
gnomAD v4.1: 7 of 1,614,168 alleles (0.00043%); highest among the groups gnomAD compares: South Asian, 0.0033%; no homozygotes.

Submissions (2):

Labcorp Genetics (formerly Invitae), Labcorp
Classification: Likely benign. Last evaluated: 2024-10-14. Review status: criteria provided, single submitter. Criteria: Invitae Variant Classification Sherloc (09022015). Collection method: clinical testing. Allele origin: germline.

CeGaT Center for Human Genetics Tuebingen
Classification: Likely benign. Last evaluated: 2023-05-01. Review status: criteria provided, single submitter. Criteria: CeGaT Center For Human Genetics Tuebingen Variant Classification Criteria Version 2. Collection method: clinical testing. Allele origin: germline. Affected: yes. Observed: 1 variant allele.
Comment: SLC30A10: BP4, BP7